The following is an entry in ClinVar:

NM_015102.5(NPHP4):c.2006C>T (p.Thr669Ile)

Gene: NPHP4 (nephrocystin 4; minus strand). Cytogenetic location: 1p36.31.
Variant type: single nucleotide variant.
Coding change: c.2006C>T on transcript NM_015102.5 (MANE Select); coding-DNA position 2006, C replaced by T.
Protein change: p.Thr669Ile; replaces threonine 669 with isoleucine.
Molecular consequence: missense variant. On other transcripts: non-coding transcript variant (1).
Genome position (GRCh38, 1-based): chr1:5,904,754, G>A on the plus strand (C>T on the coding strand, the complement: NPHP4 is on the minus strand). VCF-style: chr1-5904754-G-A. GRCh37 (hg19) VCF-style: chr1-5964814-G-A.
Other names: c.2006C>T (NM_015102.3); c.467C>T, p.Thr156Ile (NM_001291593.2); c.470C>T, p.Thr157Ile (NM_001291594.2); short protein forms T157I, T156I, T669I.
Identifiers: ClinVar variation 1516494 (VCV001516494.7), dbSNP rs368327650, ClinGen allele CA554302.

ClinVar aggregate classification (germline): Uncertain significance. Review status: criteria provided, multiple submitters, no conflicts (2 of 4 stars). 3 submissions from 3 submitters: Uncertain significance (3). Last evaluated 2025-09-02.

Conditions:
Nephronophthisis. Also called: Juvenile Nephronophthisis. Identifiers: Orphanet 655, MedGen C0687120, MONDO:0019005, HP:0000090.
Senior-Loken syndrome 4 (SLSN4). Identifiers: Orphanet 3156, MedGen C1846979, MONDO:0011756, OMIM 606996.
Nephronophthisis 4 (NPHP4). Also called: NEPHRONOPHTHISIS 4, JUVENILE. Identifiers: Orphanet 655, MedGen C1847013, MONDO:0011752, OMIM 606966.
Inborn genetic diseases. Identifiers: MedGen C0950123, MeSH D030342.

Allele frequency attached by ClinVar (database versions not stated): gnomAD 0.00002; gnomAD exomes 0.00002 and 0.00003; TOPMed 0.00002; ExAC 0.00003; ESP Exome Variant Server 0.00008.
gnomAD v4.1: 35 of 1,613,890 alleles (0.0022%); highest among the groups gnomAD compares: Non-Finnish European, 0.0029%; no homozygotes.

Submissions (3):

Labcorp Genetics (formerly Invitae), Labcorp
Classification: Uncertain significance for Nephronophthisis. Last evaluated: 2025-09-02. Review status: criteria provided, single submitter. Criteria: Invitae Variant Classification Sherloc (09022015). Collection method: clinical testing. Allele origin: germline.
Comment: This sequence change replaces threonine, which is neutral and polar, with isoleucine, which is neutral and non-polar, at codon 669 of the NPHP4 protein (p.Thr669Ile). This variant is present in population databases (rs368327650, gnomAD 0.005%). This variant has not been reported in the literature in individuals affected with NPHP4-related conditions. ClinVar contains an entry for this variant (Variation ID: 1516494). Invitae Evidence Modeling of protein sequence and biophysical properties (such as structural, functional, and spatial information, amino acid conservation, physicochemical variation, residue mobility, and thermodynamic stability) indicates that this missense variant is expected to disrupt NPHP4 protein function with a positive predictive value of 80%. In summary, the available evidence is currently insufficient to determine the role of this variant in disease. Therefore, it has been classified as a Variant of Uncertain Significance.

Ambry Genetics
Classification: Uncertain significance for Inborn genetic diseases. Last evaluated: 2025-07-03. Review status: criteria provided, single submitter. Criteria: Ambry Variant Classification Scheme 2023. Collection method: clinical testing. Allele origin: germline.

Fulgent Genetics
Classification: Uncertain significance for Nephronophthisis 4; Senior-Loken syndrome 4. Last evaluated: 2022-01-08. Review status: criteria provided, single submitter. Criteria: ACMG Guidelines, 2015. Collection method: clinical testing. Allele origin: unknown.